The following is an entry in ClinVar:

ClinVar aggregate classification (germline): Uncertain significance (1 of 4 stars; one submission).

Conditions:
Cardiomyopathy (CMYO). Also called: Cardiomyopathies. Identifiers: Orphanet 167848, MedGen C0878544, MONDO:0004994, HP:0001638. Inheritance: Various modes of inheritance.

Submission:

Color Diagnostics, LLC DBA Color Health
Classification: Uncertain significance for Cardiomyopathy. Last evaluated: 2020-01-10. Review status: criteria provided, single submitter. Criteria: ACMG Guidelines, 2015. Collection method: clinical testing. Allele origin: germline.
Comment: This missense variant replaces cysteine with serine at codon 709 of the DSC2 protein. Computational prediction suggests that this variant may not impact protein structure and function (internally defined REVEL score threshold <= 0.5, PMID: 27666373). Splice site prediction tools suggest that this variant may not impact RNA splicing. To our knowledge, functional studies have not been performed for this variant. This variant has been reported in an individual affected with noncompaction cardiomyopathy (PMID: 29447731). This variant has not been identified in the general population by the Genome Aggregation Database (gnomAD). The available evidence is insufficient to determine the role of this variant in disease conclusively. Therefore, this variant is classified as a Variant of Uncertain Significance.

NM_024422.6(DSC2):c.2126G>C (p.Cys709Ser)

Gene: DSC2 (desmocollin 2; minus strand). Cytogenetic location: 18q12.1.
Variant type: single nucleotide variant.
Coding change: c.2126G>C on transcript NM_024422.6 (MANE Select); coding-DNA position 2126, G replaced by C.
Protein change: p.Cys709Ser; replaces cysteine 709 with serine.
Molecular consequence: missense variant.
Genome position (GRCh38, 1-based): chr18:31,070,850, C>G on the plus strand (G>C on the coding strand, the complement: DSC2 is on the minus strand). VCF-style: chr18-31070850-C-G. GRCh37 (hg19) VCF-style: chr18-28650816-C-G.
Other names: c.2126G>C, p.Cys709Ser (NM_004949.5); short protein forms C709S.
Identifiers: ClinVar variation 925402 (VCV000925402.3), dbSNP rs145831682, ClinGen allele CA402112592.